The following is an entry in ClinVar:

NM_030665.4(RAI1):c.3260A>G (p.Lys1087Arg)

Gene: RAI1 (retinoic acid induced 1; plus strand). Cytogenetic location: 17p11.2.
Variant type: single nucleotide variant.
Coding change: c.3260A>G on transcript NM_030665.4 (MANE Select); coding-DNA position 3260, A replaced by G.
Protein change: p.Lys1087Arg; replaces lysine 1087 with arginine.
Molecular consequence: missense variant.
Genome position (GRCh38, 1-based): chr17:17,796,208, A>G. VCF-style: chr17-17796208-A-G. GRCh37 (hg19) VCF-style: chr17-17699522-A-G.
Other names: short protein forms K1087R.
Identifiers: ClinVar variation 2015215 (VCV002015215.4), dbSNP rs753917540, ClinGen allele CA8418695.

ClinVar aggregate classification (germline): Uncertain significance (1 of 4 stars; one submission).

Allele frequency attached by ClinVar (database versions not stated): gnomAD exomes below 0.00001; ExAC 0.00002.
gnomAD v4.1: 6 of 1,556,354 alleles (0.00039%); highest among the groups gnomAD compares: Non-Finnish European, 0.00043%; no homozygotes.

Submission:

Labcorp Genetics (formerly Invitae), Labcorp
Classification: Uncertain significance. Last evaluated: 2022-07-08. Review status: criteria provided, single submitter. Criteria: Invitae Variant Classification Sherloc (09022015). Collection method: clinical testing. Allele origin: germline.
Comment: This sequence change replaces lysine, which is basic and polar, with arginine, which is basic and polar, at codon 1087 of the RAI1 protein (p.Lys1087Arg). This variant is present in population databases (rs753917540, gnomAD 0.001%). This variant has not been reported in the literature in individuals affected with RAI1-related conditions. Algorithms developed to predict the effect of missense changes on protein structure and function are either unavailable or do not agree on the potential impact of this missense change (SIFT: "Deleterious"; PolyPhen-2: "Benign"; Align-GVGD: "Class C25"). In summary, the available evidence is currently insufficient to determine the role of this variant in disease. Therefore, it has been classified as a Variant of Uncertain Significance.